The following is an entry in ClinVar:

NM_152703.5(SAMD9L):c.2161T>G (p.Leu721Val)

Gene: SAMD9L (sterile alpha motif domain containing 9 like; minus strand). Cytogenetic location: 7q21.2.
Variant type: single nucleotide variant.
Coding change: c.2161T>G on transcript NM_152703.5 (MANE Select); coding-DNA position 2161, T replaced by G.
Protein change: p.Leu721Val; replaces leucine 721 with valine.
Molecular consequence: missense variant.
Genome position (GRCh38, 1-based): chr7:93,133,811, A>C on the plus strand (T>G on the coding strand, the complement: SAMD9L is on the minus strand). VCF-style: chr7-93133811-A-C. GRCh37 (hg19) VCF-style: chr7-92763124-A-C.
Other names: c.2161T>G, p.Leu721Val (NM_001303496.3, NM_001303497.3, NM_001303498.3 and 5 more transcripts); c.2161T>G (NM_152703.2); short protein forms L721V.
Identifiers: ClinVar variation 3365423 (VCV003365423.2).
Genomic context (GRCh38, chr7:93,133,811, plus strand): 5'-GATAAAGATTGATGATTTTTGCAAATATTGGTTTAGGAGACTCTGCCCAGCAGTGTATTA[A>C]ATCTTTAAGCTTTTCATAACTGTCCCTTTTAACAAAATCTGAAGAATAGTTTTCAGAAGA-3'
Protein context (NP_689916.2, residues 711-731): KRDSYEKLKD[Leu721Val]IHCWAESPKP

ClinVar aggregate classification (germline): Uncertain significance. Review status: criteria provided, multiple submitters, no conflicts (2 of 4 stars). 2 submissions from 2 submitters: Uncertain significance (2). Last evaluated 2025-04-21.

Conditions:
Inborn genetic diseases. Identifiers: MedGen C0950123, MeSH D030342.

gnomAD v4.1: 6 of 1,613,528 alleles (0.00037%); highest among the groups gnomAD compares: East Asian, 0.0089%; no homozygotes.

Submissions (2):

Ambry Genetics
Classification: Uncertain significance for Inborn genetic diseases. Last evaluated: 2025-04-21. Review status: criteria provided, single submitter. Criteria: Ambry Variant Classification Scheme 2023. Collection method: clinical testing. Allele origin: germline.
Comment: The p.L721V variant (also known as c.2161T>G), located in coding exon 1 of the SAMD9L gene, results from a T to G substitution at nucleotide position 2161. The leucine at codon 721 is replaced by valine, an amino acid with highly similar properties. This amino acid position is conserved. In addition, this alteration is predicted to be tolerated by in silico analysis. Based on the available evidence, the clinical significance of this variant remains unclear.

GeneDx
Classification: Uncertain significance. Last evaluated: 2023-12-07. Review status: criteria provided, single submitter. Criteria: GeneDx Variant Classification Process June 2021. Collection method: clinical testing. Allele origin: germline. Affected: yes.
Comment: Not observed at significant frequency in large population cohorts (gnomAD); In silico analysis supports that this missense variant does not alter protein structure/function; Has not been previously published as pathogenic or benign to our knowledge; This variant is associated with the following publications: (PMID: 28545555)